The following is an entry in ClinVar:

ClinVar aggregate classification (germline): Pathogenic/Likely pathogenic. Review status: criteria provided, multiple submitters, no conflicts (2 of 4 stars). 6 submissions from 6 submitters: Pathogenic (4); Likely pathogenic (2). Last evaluated 2026-05-30.

Conditions:
Neurofibromatosis, type 1 (NF1). Also called: Neurofibromatosis, type I; Peripheral type neurofibromatosis; VON RECKLINGHAUSEN DISEASE; NEUROFIBROMATOSIS, TYPE I, SOMATIC. Identifiers: Orphanet 636, MedGen C0027831, MONDO:0018975, OMIM 162200. Disease mechanism: loss of function.
RASopathy. Also called: Noonan spectrum disorder; rasopathies. Identifiers: Orphanet 536391, MedGen C5555857, MONDO:0021060.
Hereditary cancer-predisposing syndrome. Also called: Hereditary Cancer Syndrome; Hereditary neoplastic syndrome; Neoplastic Syndromes, Hereditary; Tumor predisposition. Identifiers: Orphanet 140162, MedGen C0027672, MeSH D009386, MONDO:0015356.
Cardiovascular phenotype. Identifiers: MedGen CN230736.

Submissions (6):

NHS Central & South Genomic Laboratory Hub
Classification: Pathogenic for Neurofibromatosis type 1. Last evaluated: 2026-05-30. Review status: criteria provided, single submitter. Criteria: ACMG Guidelines, 2015. Collection method: clinical testing. Allele origin: germline. Affected: yes.

Hema, HEMA – Genetic and Molecular Diagnostic Laboratory
Classification: Likely pathogenic for Neurofibromatosis, type 1. Last evaluated: 2025-07-22. Review status: criteria provided, single submitter. Criteria: HEMA Variant Classification Assertion Criteria. Collection method: clinical testing. Allele origin: germline.
Comment: It is a transversion from guanine to thymine that results in a premature stop codon at codon 470 of NF1. PVS1: Null variant (nonsense) in a gene for which loss of function is a known disease mechanism. It is a nonsense variant that results in a premature stop codon in exon 13/58, which is predicted to lead to nonsense-mediated decay (NMD) of the transcript. PM2_Supporting: Absent in the gnomAD v4.1.0 database.

Genome-Nilou Lab
Classification: Pathogenic for Neurofibromatosis, type 1. Last evaluated: 2022-03-15. Review status: criteria provided, single submitter. Criteria: ACMG Guidelines, 2015. Collection method: clinical testing. Allele origin: germline. Affected: no.

Labcorp Genetics (formerly Invitae), Labcorp
Classification: Pathogenic for Neurofibromatosis, type 1. Last evaluated: 2019-12-27. Review status: criteria provided, single submitter. Criteria: Invitae Variant Classification Sherloc (09022015). Collection method: clinical testing. Allele origin: germline.
Comment: For these reasons, this variant has been classified as Pathogenic. Loss-of-function variants in NF1 are known to be pathogenic (PMID: 10712197, 23913538). This variant has not been reported in the literature in individuals with NF1-related conditions. This variant is not present in population databases (ExAC no frequency). This sequence change creates a premature translational stop signal (p.Glu470*) in the NF1 gene. It is expected to result in an absent or disrupted protein product.

Women's Health and Genetics/Laboratory Corporation of America, LabCorp
Classification: Likely pathogenic for Rasopathy. Last evaluated: 2019-11-04. Review status: criteria provided, single submitter. Criteria: LabCorp Variant Classification Summary - May 2015. Collection method: clinical testing. Allele origin: germline.
Comment: Variant summary: NF1 c.1408G>T (p.Glu470X) results in a premature termination codon, predicted to cause a truncation of the encoded protein or absence of the protein due to nonsense mediated decay, which are commonly known mechanisms for disease. Truncations downstream of this position have been classified as pathogenic by our laboratory. The variant was absent in 248014 control chromosomes. To our knowledge, no occurrence of c.1408G>T in individuals affected with Noonan Syndrome and Related Conditions or Neurofibromatosis and no experimental evidence demonstrating its impact on protein function have been reported. No clinical diagnostic laboratories have submitted clinical-significance assessments for this variant to ClinVar after 2014. Based on the evidence outlined above, the variant was classified as likely pathogenic.

Ambry Genetics
Classification: Pathogenic for Cardiovascular phenotype; Hereditary cancer-predisposing syndrome. Last evaluated: 2019-07-30. Review status: criteria provided, single submitter. Criteria: Ambry Variant Classification Scheme 2023. Collection method: clinical testing. Allele origin: germline.
Comment: The p.E470* pathogenic mutation (also known as c.1408G>T), located in coding exon 13 of the NF1 gene, results from a G to T substitution at nucleotide position 1408. This changes the amino acid from a glutamic acid to a stop codon within coding exon 13. This alteration is expected to result in loss of function by premature protein truncation or nonsense-mediated mRNA decay. As such, this alteration is interpreted as a disease-causing mutation.

Literature cited by the submitters: PubMed 10712197 (cited by Labcorp Genetics (formerly Invitae), Labcorp); PubMed 23913538 (cited by Labcorp Genetics (formerly Invitae), Labcorp).

NM_001042492.3(NF1):c.1408G>T (p.Glu470Ter)

Gene: NF1 (neurofibromin 1; plus strand). Cytogenetic location: 17q11.2.
Variant type: single nucleotide variant.
Coding change: c.1408G>T on transcript NM_001042492.3 (MANE Select); coding-DNA position 1408, G replaced by T.
Protein change: p.Glu470Ter; replaces glutamic acid 470 with a stop codon.
Molecular consequence: nonsense.
Genome position (GRCh38, 1-based): chr17:31,214,466, G>T. VCF-style: chr17-31214466-G-T. GRCh37 (hg19) VCF-style: chr17-29541484-G-T.
Other names: c.1408G>T, p.Glu470Ter (NM_000267.4, NM_001128147.3); short protein forms E470*.
Identifiers: ClinVar variation 819135 (VCV000819135.15), dbSNP rs1597698330, ClinGen allele CA399001442.